The following is an entry in ClinVar:

NM_000051.4(ATM):c.1633G>C (p.Ala545Pro)

Gene: ATM (ATM serine/threonine kinase; plus strand). Cytogenetic location: 11q22.3.
Variant type: single nucleotide variant.
Coding change: c.1633G>C on transcript NM_000051.4 (MANE Select); coding-DNA position 1633, G replaced by C.
Protein change: p.Ala545Pro; replaces alanine 545 with proline.
Molecular consequence: missense variant.
Genome position (GRCh38, 1-based): chr11:108,251,862, G>C. VCF-style: chr11-108251862-G-C. GRCh37 (hg19) VCF-style: chr11-108122589-G-C.
Other names: c.1633G>C, p.Ala545Pro (NM_001351834.2); short protein forms A545P.
Identifiers: ClinVar variation 1011029 (VCV001011029.9), dbSNP rs1565385130, ClinGen allele CA382534519.

ClinVar aggregate classification (germline): Uncertain significance (1 of 4 stars; one submission).

Conditions:
Ataxia-telangiectasia syndrome (AT). Also called: Cerebello-oculocutaneous telangiectasia; Immunodeficiency with ataxia telangiectasia; ATAXIA-TELANGIECTASIA, COMPLEMENTATION GROUP A; ATAXIA-TELANGIECTASIA, FRESNO VARIANT; LOUIS-BAR SYNDROME; Ataxia-telangiectasia, complementation group E. Identifiers: Orphanet 100, MedGen C0004135, MONDO:0008840, OMIM 208900.

Submission:

Labcorp Genetics (formerly Invitae), Labcorp
Classification: Uncertain significance for Ataxia-telangiectasia syndrome. Last evaluated: 2020-02-20. Review status: criteria provided, single submitter. Criteria: Invitae Variant Classification Sherloc (09022015). Collection method: clinical testing. Allele origin: germline.
Comment: This variant is not present in population databases (ExAC no frequency). This sequence change replaces alanine with proline at codon 545 of the ATM protein (p.Ala545Pro). The alanine residue is moderately conserved and there is a small physicochemical difference between alanine and proline. This variant has not been reported in the literature in individuals with ATM-related conditions. Algorithms developed to predict the effect of missense changes on protein structure and function are either unavailable or do not agree on the potential impact of this missense change (SIFT: "Tolerated"; PolyPhen-2: "Probably Damaging"; Align-GVGD: "Class C0"). In summary, the available evidence is currently insufficient to determine the role of this variant in disease. Therefore, it has been classified as a Variant of Uncertain Significance.